The following is an entry in ClinVar:

NM_014727.3(KMT2B):c.258C>A (p.Gly86=)

Gene: KMT2B (lysine methyltransferase 2B; plus strand). Cytogenetic location: 19q13.12.
Variant type: single nucleotide variant.
Coding change: c.258C>A on transcript NM_014727.3 (MANE Select); coding-DNA position 258, C replaced by A.
Protein change: p.Gly86=; no amino-acid change (glycine 86 retained).
Molecular consequence: synonymous variant.
Genome position (GRCh38, 1-based): chr19:35,718,276, C>A. VCF-style: chr19-35718276-C-A. GRCh37 (hg19) VCF-style: chr19-36209178-C-A.
Identifiers: ClinVar variation 1578322 (VCV001578322.13), dbSNP rs775006966, ClinGen allele CA9383965.

ClinVar aggregate classification (germline): Likely benign. Review status: criteria provided, multiple submitters, no conflicts (2 of 4 stars). 2 submissions from 2 submitters: Likely benign (2). Last evaluated 2026-01-12.

Allele frequency attached by ClinVar (database versions not stated): gnomAD exomes 0.00001; gnomAD 0.00003 and 0.00004; TOPMed 0.00008.
gnomAD v4.1: 8 of 1,221,112 alleles (0.00066%); highest among the groups gnomAD compares: Admixed American, 0.035%; no homozygotes.

Submissions (2):

Labcorp Genetics (formerly Invitae), Labcorp
Classification: Likely benign. Last evaluated: 2026-01-12. Review status: criteria provided, single submitter. Criteria: Invitae Variant Classification Sherloc (09022015). Collection method: clinical testing. Allele origin: germline.

CeGaT Center for Human Genetics Tuebingen
Classification: Likely benign. Last evaluated: 2025-12-01. Review status: criteria provided, single submitter. Criteria: CeGaT Center For Human Genetics Tuebingen Variant Classification Criteria Version 2. Collection method: clinical testing. Allele origin: germline. Affected: yes. Observed: 1 variant allele.
Comment: KMT2B: BP4, BP7